The following is an entry in ClinVar:

ClinVar aggregate classification (germline): Pathogenic. Review status: criteria provided, multiple submitters, no conflicts (2 of 4 stars). 4 submissions from 4 submitters: Pathogenic (4). Last evaluated 2025-11-24.

Conditions:
Becker muscular dystrophy, Cardiomyopathy, Duchenne muscular dystrophy, Dystrophin deficiency.
Neuromuscular disease caused by qualitative or quantitative defects of dystrophin. Also called: Qualitative or quantitative defects of dystrophin. Identifiers: Orphanet 207085, MedGen C5679787, MONDO:0016147.
Duchenne muscular dystrophy (DMD). Also called: MUSCULAR DYSTROPHY, PSEUDOHYPERTROPHIC PROGRESSIVE, DUCHENNE TYPE; Duchenne Muscular Dystrophy (DMD). Identifiers: Orphanet 98896, MedGen C0013264, MONDO:0010679, OMIM 310200.

Submissions (4):

Labcorp Genetics (formerly Invitae), Labcorp
Classification: Pathogenic for Duchenne muscular dystrophy. Last evaluated: 2025-11-24. Review status: criteria provided, single submitter. Criteria: Invitae Variant Classification Sherloc (09022015). Collection method: clinical testing. Allele origin: germline.
Comment: This sequence change creates a premature translational stop signal (p.Trp2670*) in the DMD gene. It is expected to result in an absent or disrupted protein product. Loss-of-function variants in DMD are known to be pathogenic (PMID: 16770791, 25007885). This variant is not present in population databases (gnomAD no frequency). This premature translational stop signal has been observed in individual(s) with DMD-related muscular dystrophy (PMID: 27750387, 28859693). ClinVar contains an entry for this variant (Variation ID: 593328). For these reasons, this variant has been classified as Pathogenic.

Natera, Inc.
Classification: Pathogenic for Becker muscular dystrophy, Cardiomyopathy, Duchenne muscular dystrophy, Dystrophin deficiency. Last evaluated: 2025-11-18. Review status: criteria provided, single submitter. Criteria: Natera Variant Classification Schema (03/2026). Collection method: clinical testing. Allele origin: germline.
Comment: The c.8010G>A variant in DMD is a nonsense variant predicted to introduce a stop codon at amino acid 2670. This variant is expected to result in nonsense mediated decay, truncation, or a dysfunctional protein product. This variant is rare in the general population with a frequency below the threshold expected for the associated phenotype(s). This variant has been observed in affected individual(s) with monoallelic occurrence (heterozygous/hemizygous) (PMID: 39198981, 28859693). Given the available evidence, this variant is classified as Pathogenic.

Women's Health and Genetics/Laboratory Corporation of America, LabCorp
Classification: Pathogenic for Dystrophinopathies. Last evaluated: 2019-12-09. Review status: criteria provided, single submitter. Criteria: LabCorp Variant Classification Summary - May 2015. Collection method: clinical testing. Allele origin: germline.
Comment: Variant summary: DMD c.8010G>A (p.Trp2670X) results in a premature termination codon, predicted to cause a truncation of the encoded protein or absence of the protein due to nonsense mediated decay, which are commonly known mechanisms for disease. Truncations downstream of this position have been classified as pathogenic by our laboratory. The variant was absent in 183130 control chromosomes. c.8010G>A has been reported in the literature in individuals affected with Dystrophinopathies reporting a DMD phenotype (example, Zhong_2017 and 2019, Okubo_2017). These data indicate that the variant is likely to be associated with disease. To our knowledge, no experimental evidence demonstrating an impact on protein function has been reported although at-least one database reports absent dystrophin staining by western blot and immunostaining (UMD database, c.8009G>A resulting in the same consequence at protein level, namely p.Trp2670* is mentioned). One clinical diagnostic laboratory has submitted clinical-significance assessments for this variant to ClinVar after 2014 without evidence for independent evaluation and classified the variant as pathogenic. Based on the evidence outlined above, the variant was classified as pathogenic.

Eurofins Ntd Llc (ga)
Classification: Pathogenic. Last evaluated: 2017-07-27. Review status: criteria provided, single submitter. Criteria: EGL Classification Definitions 2015. Collection method: clinical testing. Allele origin: germline. Observed: 1 variant allele, 1 hemizygote.

Literature cited by the submitters: PubMed 16770791 (cited by Labcorp Genetics (formerly Invitae), Labcorp); PubMed 25007885 (cited by Labcorp Genetics (formerly Invitae), Labcorp); PubMed 27750387 (cited by Labcorp Genetics (formerly Invitae), Labcorp and Women's Health and Genetics/Laboratory Corporation of America, LabCorp); PubMed 28859693 (cited by 3 submitters); PubMed 39198981 (cited by Natera, Inc.); PubMed 30816495 (cited by Women's Health and Genetics/Laboratory Corporation of America, LabCorp).

NM_004006.3(DMD):c.8010G>A (p.Trp2670Ter)

Gene: DMD (dystrophin; minus strand). Cytogenetic location: Xp21.1.
Variant type: single nucleotide variant.
Coding change: c.8010G>A on transcript NM_004006.3 (MANE Select); coding-DNA position 8010, G replaced by A.
Protein change: p.Trp2670Ter; replaces tryptophan 2670 with a stop codon.
Molecular consequence: nonsense.
Genome position (GRCh38, 1-based): chrX:31,658,007, C>T on the plus strand (G>A on the coding strand, the complement: DMD is on the minus strand). VCF-style: chrX-31658007-C-T. GRCh37 (hg19) VCF-style: chrX-31676124-C-T.
Other names: c.7986G>A, p.Trp2662Ter (NM_000109.4); c.7998G>A, p.Trp2666Ter (NM_004009.3); c.7641G>A, p.Trp2547Ter (NM_004010.3); c.3987G>A, p.Trp1329Ter (NM_004011.4); c.3978G>A, p.Trp1326Ter (NM_004012.4); c.630G>A, p.Trp210Ter (NM_004013.3, NM_004020.4, NM_004021.3 and 2 more transcripts); short protein forms W2670*, W210*, W2547*, W2662*, W1329*, W1326*, W2666*.
Identifiers: ClinVar variation 593328 (VCV000593328.13), dbSNP rs1569186252, ClinGen allele CA412655751.
Genomic context (GRCh38, chrX:31,658,007, plus strand): 5'-TTATTACAGCCAACAGTAGTTTTAGAAATAATGTAATTCATACCTTTTATGAATGCTTCT[C>T]CAAGAGGCATTGATATTCTCTGTTATCATGTGGACTTTTCTGGTATCATCTGCAGAATAA-3'